The following is an entry in ClinVar:

NM_024577.4(SH3TC2):c.1318C>T (p.Arg440Cys)

Gene: SH3TC2 (SH3 domain and tetratricopeptide repeats 2; minus strand). Cytogenetic location: 5q32.
Variant type: single nucleotide variant.
Coding change: c.1318C>T on transcript NM_024577.4 (MANE Select); coding-DNA position 1318, C replaced by T.
Protein change: p.Arg440Cys; replaces arginine 440 with cysteine.
Molecular consequence: missense variant.
Genome position (GRCh38, 1-based): chr5:149,028,414, G>A on the plus strand (C>T on the coding strand, the complement: SH3TC2 is on the minus strand). VCF-style: chr5-149028414-G-A. GRCh37 (hg19) VCF-style: chr5-148407977-G-A.
Other names: short protein forms R440C.
Identifiers: ClinVar variation 583032 (VCV000583032.12), dbSNP rs768012192, ClinGen allele CA3499201.

ClinVar aggregate classification (germline): Uncertain significance. Review status: criteria provided, multiple submitters, no conflicts (2 of 4 stars). 4 submissions from 4 submitters: Uncertain significance (4). Last evaluated 2022-01-11.

Conditions:
Tip-toe gait. Also called: Toe walking. Identifiers: MedGen C0427144, HP:0030051.
Charcot-Marie-Tooth disease type 4. Also called: Charcot-Marie-Tooth disease, type IV; Charcot-Marie-Tooth, Type 4. Identifiers: Orphanet 64749, MedGen C4082197, MONDO:0018995.
Charcot-Marie-Tooth disease. Also called: Charcot-Marie-Tooth Hereditary Neuropathy; Charcot-Marie-Tooth Neuropathy. Identifiers: Orphanet 166, MedGen C0007959, MONDO:0015626.

Allele frequency attached by ClinVar (database versions not stated): TOPMed 0.00003; gnomAD 0.00004; gnomAD exomes 0.00003 and 0.00004; ExAC 0.00003.
gnomAD v4.1: 59 of 1,613,834 alleles (0.0037%); highest among the groups gnomAD compares: Non-Finnish European, 0.0047%; no homozygotes.

Submissions (4):

Labcorp Genetics (formerly Invitae), Labcorp
Classification: Uncertain significance for Charcot-Marie-Tooth disease type 4. Last evaluated: 2022-01-11. Review status: criteria provided, single submitter. Criteria: Invitae Variant Classification Sherloc (09022015). Collection method: clinical testing. Allele origin: germline.
Comment: This sequence change replaces arginine, which is basic and polar, with cysteine, which is neutral and slightly polar, at codon 440 of the SH3TC2 protein (p.Arg440Cys). This variant is present in population databases (rs768012192, gnomAD 0.007%). This missense change has been observed in individual(s) with clinical features of Charcot-Marie-Tooth disease (PMID: 32376792). ClinVar contains an entry for this variant (Variation ID: 583032). Advanced modeling of protein sequence and biophysical properties (such as structural, functional, and spatial information, amino acid conservation, physicochemical variation, residue mobility, and thermodynamic stability) performed at Invitae indicates that this missense variant is not expected to disrupt SH3TC2 protein function. In summary, the available evidence is currently insufficient to determine the role of this variant in disease. Therefore, it has been classified as a Variant of Uncertain Significance.

Practice for Gait Abnormalities, David Pomarino, Competency Network Toe Walking C/o Practice Pomarino
Classification: Uncertain significance for Tip-toe gait. Last evaluated: 2020-11-27. Review status: criteria provided, single submitter. Criteria: ACMG Guidelines, 2015. Collection method: clinical testing. Allele origin: unknown. Affected: yes.
Comment: Hereditary motor sensory neuropathy (HMSN), also known as Charcot-Marie-Tooth Disease (CMT), is the most commonly inherited peripheral polyneuropathy. It constitutes a group of inherited, progressive, motor and sensory peripheral nerve disorders with properties of demyelination, axonal degeneration, or both. It is classified by clinical characteristics, modes of inheritance, electrophysiologic features, metabolic defects, and specific gene markers. Our patients all walk on tiptoe, so they show similar symptoms. When we genetically test them with our toe walking panel, we find that around 90 per cent of them have a genetic variant that explains their toe walking. These can be assigned, for example, to the area of myopathies (such as variants of the COL6A3 gene), the area of hereditary neuropathies (such as variants of the KMT2C gene) or the area of metabolic diseases (such as variants of the PYGM gene). In a smaller group of patients with almost identical symptoms, no abnormality is found in the genes of our panel, but spastic paraplegia can be detected. In another small group of our toe walkers, no abnormalities can be detected in the genes analysed in our toe walking panel, nor do they suffer from spastic paraplegia, as is also the case with healthy children. In contrast to these, however, they show a tiptoe gait. These patients suffer from infantile cerebral palsy, in which toe walking can also be observed.

Athena Diagnostics
Classification: Uncertain significance. Last evaluated: 2018-02-22. Review status: criteria provided, single submitter. Criteria: Athena Diagnostics Criteria. Collection method: clinical testing. Allele origin: germline.

Molecular Genetics Laboratory, London Health Sciences Centre
Classification: Uncertain significance for Charcot-Marie-Tooth disease. Review status: criteria provided, single submitter. Criteria: ACMG Guidelines, 2015. Collection method: clinical testing. Allele origin: germline. Affected: yes.

Literature cited by the submitters: PubMed 32376792 (cited by Labcorp Genetics (formerly Invitae), Labcorp); DOI 10.3238/oup.2019.0380-0382 (cited by Practice for Gait Abnormalities, David Pomarino, Competency Network Toe Walking C/o Practice Pomarino); PubMed 37091313 (cited by Practice for Gait Abnormalities, David Pomarino, Competency Network Toe Walking C/o Practice Pomarino).